The following is an entry in ClinVar:

ClinVar aggregate classification (germline): Likely pathogenic (1 of 4 stars; one submission).

Conditions:
VWF-related disorder. Also called: VWF-related disorders; VWF-related condition.

Submission:

PreventionGenetics, part of Exact Sciences
Classification: Likely pathogenic for VWF-related condition. Last evaluated: 2025-02-06. Review status: criteria provided, single submitter. Criteria: ACMG Guidelines, 2015. Collection method: clinical testing. Allele origin: germline.
Comment: The VWF c.7573delG variant is predicted to result in a frameshift and premature protein termination (p.Glu2525Argfs*12). To our knowledge, this variant has not been reported in the literature or in a large population database (gnomAD), indicating this variant is rare. Frameshift variants in VWF are expected to be pathogenic. This variant is interpreted as likely pathogenic.

NM_000552.5(VWF):c.7573del (p.Glu2525fs)

Gene: VWF (von Willebrand factor; minus strand). Cytogenetic location: 12p13.31.
Variant type: Deletion.
Coding change: c.7573del on transcript NM_000552.5 (MANE Select); coding-DNA position 7573, one base deleted (G; older notation c.7573delG).
Protein change: p.Glu2525fs; shifts the reading frame from glutamic acid 2525.
Molecular consequence: frameshift variant.
Genome position (GRCh38, 1-based): chr12:5,969,367, C deleted on the plus strand (G on the coding strand, the reverse complement: VWF is on the minus strand); the first of 2 consecutive C bases (chr12:5,969,367-5,969,368); deleting either gives the same sequence. VCF-style (leftmost placement, unchanged base first): chr12-5969366-TC-T. GRCh37 (hg19) VCF-style: chr12-6078532-TC-T.
Other names: short protein forms E2525fs.
Identifiers: ClinVar variation 4997333 (VCV004997333.1).
Genomic context (GRCh38, chr12:5,969,366, plus strand): 5'-CTTTGTTGTATAAAGACCTCCTCCTTCACTCGGACACACTCATTGATGAGGCAGGGGTTC[TC>T]CGGGGAGGCCCACTGGGAGCCGACCTGCAGGGCACCAGAGTTAGTCCAACAAGCTGGGGC-3'